The following is an entry in ClinVar:

ClinVar aggregate classification (germline): Conflicting classifications of pathogenicity. Review status: criteria provided, conflicting classifications (1 of 4 stars). 3 submissions from 3 submitters: Uncertain significance (2); Likely benign (1). Last evaluated 2021-08-30.

Conditions:
Familial thoracic aortic aneurysm and aortic dissection (TAAD). Also called: Thoracic aortic aneurysms and dissections. Identifiers: Orphanet 91387, MedGen C4707243, MONDO:0019625.
Ehlers-Danlos syndrome, type 4 (EDSVASC). Also called: Ehlers-Danlos Syndrome Type IV; Ehlers-Danlos syndrome vascular type; Ehlers Danlos syndrome, ecchymotic type; Ehlers Danlos syndrome, arterial type; Ehlers Danlos syndrome, Sack-Barabas type. Identifiers: Orphanet 286, MedGen C0268338, MONDO:0017314, OMIM 130050.

Allele frequency attached by ClinVar (database versions not stated): TOPMed 0.00001; gnomAD exomes 0.00003; ExAC 0.00004; 1000 Genomes Project 0.00020; 1000 Genomes Project 30x 0.00031.
gnomAD v4.1: 40 of 1,614,102 alleles (0.0025%); highest among the groups gnomAD compares: East Asian, 0.089%; no homozygotes.

Submissions (3):

Labcorp Genetics (formerly Invitae), Labcorp
Classification: Uncertain significance for Ehlers-Danlos syndrome, type 4. Last evaluated: 2021-08-30. Review status: criteria provided, single submitter. Criteria: Invitae Variant Classification Sherloc (09022015). Collection method: clinical testing. Allele origin: germline.
Comment: This sequence change replaces alanine with serine at codon 709 of the COL3A1 protein (p.Ala709Ser). The alanine residue is moderately conserved and there is a moderate physicochemical difference between alanine and serine. This variant is present in population databases (rs201468881, ExAC 0.06%). This variant has not been reported in the literature in individuals affected with COL3A1-related conditions. Experimental studies and prediction algorithms are not available or were not evaluated, and the functional significance of this variant is currently unknown. In summary, the available evidence is currently insufficient to determine the role of this variant in disease. Therefore, it has been classified as a Variant of Uncertain Significance.

Color Diagnostics, LLC DBA Color Health
Classification: Likely benign for Familial thoracic aortic aneurysm and aortic dissection. Last evaluated: 2020-01-23. Review status: criteria provided, single submitter. Criteria: ACMG Guidelines, 2015. Collection method: clinical testing. Allele origin: germline.

Women's Health and Genetics/Laboratory Corporation of America, LabCorp
Classification: Uncertain significance. Last evaluated: 2019-03-25. Review status: criteria provided, single submitter. Criteria: LabCorp Variant Classification Summary - May 2015. Collection method: clinical testing. Allele origin: germline.
Comment: Variant summary: COL3A1 c.2125G>T (p.Ala709Ser) results in a conservative amino acid change in the encoded protein sequence. Five of five in-silico tools predict a benign effect of the variant on protein function. The variant allele was found at a frequency of 3.2e-05 in 282470 control chromosomes, predominantly at a frequency of 0.00045 within the East Asian subpopulation in the gnomAD database. The observed frequency in the East Asian subpopulation is 360-folds higher than the estimated maximum expected allele frequency for a pathogenic COL3A1 variant of 1.3e-06. To our knowledge, no occurrence of c.2125G>T in individuals affected with Aortopathy and no experimental evidence demonstrating its impact on protein function have been reported. No clinical diagnostic laboratories have submitted clinical-significance assessments for this variant to ClinVar after 2014. Based on the evidence outlined above, the variant was classified as VUS - possibly benign.

NM_000090.4(COL3A1):c.2125G>T (p.Ala709Ser)

Gene: COL3A1 (collagen type III alpha 1 chain; plus strand). Cytogenetic location: 2q32.2.
Variant type: single nucleotide variant.
Coding change: c.2125G>T on transcript NM_000090.4 (MANE Select); coding-DNA position 2125, G replaced by T.
Protein change: p.Ala709Ser; replaces alanine 709 with serine.
Molecular consequence: missense variant.
Genome position (GRCh38, 1-based): chr2:188,999,473, G>T. VCF-style: chr2-188999473-G-T. GRCh37 (hg19) VCF-style: chr2-189864199-G-T.
Other names: short protein forms A709S.
Identifiers: ClinVar variation 923765 (VCV000923765.4), dbSNP rs201468881, ClinGen allele CA075027.